The following is an entry in ClinVar:

ClinVar aggregate classification (germline): Pathogenic (1 of 4 stars; one submission).

Conditions:
Interstitial lung disease due to ABCA3 deficiency. Also called: PULMONARY ALVEOLAR PROTEINOSIS, CONGENITAL, 3. Identifiers: Orphanet 440402, MedGen C1970456, MONDO:0012582, OMIM 610921.

Submission:

Myriad Genetics, Inc.
Classification: Pathogenic for Interstitial lung disease due to ABCA3 deficiency. Last evaluated: 2026-05-03. Review status: criteria provided, single submitter. Criteria: Myriad Autosomal Dominant, Autosomal Recessive and X-Linked Classification Criteria (2023). Collection method: clinical testing. Allele origin: unknown.
Comment: NM_001089.2(ABCA3):c.3241delC(R1081Gfs*53) is expected to be pathogenic in the context of surfactant deficiency, ABCA3-related. This variant is predicted to lead to an abnormal or absent protein product due to the creation of a premature termination codon in ABCA3, a gene where loss-of-function variants are known to be pathogenic. Please note: this variant was assessed in the context of healthy population screening.

NM_001089.3(ABCA3):c.3241del (p.Arg1081fs)

Gene: ABCA3 (ATP binding cassette subfamily A member 3; minus strand). Cytogenetic location: 16p13.3.
Variant type: Deletion.
Coding change: c.3241del on transcript NM_001089.3 (MANE Select); coding-DNA position 3241, one base deleted (C; older notation c.3241delC).
Protein change: p.Arg1081fs; shifts the reading frame from arginine 1081.
Molecular consequence: frameshift variant.
Genome position (GRCh38, 1-based): chr16:2,286,731, G deleted on the plus strand (C on the coding strand, the reverse complement: ABCA3 is on the minus strand); the first of 4 consecutive G bases (chr16:2,286,731-2,286,734); deleting any one gives the same sequence. VCF-style (leftmost placement, unchanged base first): chr16-2286730-CG-C. GRCh37 (hg19) VCF-style: chr16-2336731-CG-C.
Other names: short protein forms R1081fs.
Identifiers: ClinVar variation 5015861 (VCV005015861.1).